The following is an entry in ClinVar:

ClinVar aggregate classification (germline): Uncertain significance. Review status: criteria provided, multiple submitters, no conflicts (2 of 4 stars). 3 submissions from 3 submitters: Uncertain significance (2). 1 of the submissions does not count toward it. Last evaluated 2026-02-25.

Conditions:
IFT172-related disorder. Also called: IFT172-related condition; IFT172-related disorders.
Short-rib thoracic dysplasia 10 with or without polydactyly (SRTD10). Identifiers: Orphanet 474, MedGen C3810175, MONDO:0014284, OMIM 615630.
Retinitis pigmentosa 71 (RP71). Identifiers: Orphanet 791, MedGen C4225342, MONDO:0014618, OMIM 616394.

Allele frequency attached by ClinVar (database versions not stated): gnomAD 0.00001; TOPMed 0.00001; ExAC 0.00002; 1000 Genomes Project 0.00020; 1000 Genomes Project 30x 0.00031.
gnomAD v4.1: 11 of 1,610,492 alleles (0.00068%); highest among the groups gnomAD compares: Admixed American, 0.018%; no homozygotes.

Submissions (3):

GeneDx
Classification: Uncertain significance. Last evaluated: 2026-02-25. Review status: criteria provided, single submitter. Criteria: GeneDx Variant Classification Process June 2021. Collection method: clinical testing. Allele origin: germline.
Comment: In silico analysis supports that this missense variant has a deleterious effect on protein structure/function; Has not been previously published as pathogenic or benign in association with IFT172-related ciliopathy to our knowledge; This variant is associated with the following publications: (PMID: 27377421)

Labcorp Genetics (formerly Invitae), Labcorp
Classification: Uncertain significance for Retinitis pigmentosa 71; Short-rib thoracic dysplasia 10 with or without polydactyly. Last evaluated: 2023-12-11. Review status: criteria provided, single submitter. Criteria: Invitae Variant Classification Sherloc (09022015). Collection method: clinical testing. Allele origin: germline.
Comment: This sequence change replaces serine, which is neutral and polar, with phenylalanine, which is neutral and non-polar, at codon 78 of the IFT172 protein (p.Ser78Phe). This variant is present in population databases (rs182323013, gnomAD 0.03%). This variant has not been reported in the literature in individuals affected with IFT172-related conditions. ClinVar contains an entry for this variant (Variation ID: 2154845). Advanced modeling of protein sequence and biophysical properties (such as structural, functional, and spatial information, amino acid conservation, physicochemical variation, residue mobility, and thermodynamic stability) performed at Invitae indicates that this missense variant is expected to disrupt IFT172 protein function with a positive predictive value of 80%. In summary, the available evidence is currently insufficient to determine the role of this variant in disease. Therefore, it has been classified as a Variant of Uncertain Significance.

PreventionGenetics, part of Exact Sciences
Classification: Uncertain significance for IFT172-related condition. Last evaluated: 2024-04-14. Review status: no assertion criteria provided. Collection method: clinical testing. Allele origin: germline. Not counted in ClinVar's aggregate classification.
Comment: The IFT172 c.233C>T variant is predicted to result in the amino acid substitution p.Ser78Phe. To our knowledge, this variant has not been reported in the literature. This variant has also not been reported in gnomAD, indicating this variant is rare. At this time, the clinical significance of this variant is uncertain due to the absence of conclusive functional and genetic evidence.

NM_015662.3(IFT172):c.233C>T (p.Ser78Phe)

Gene: IFT172 (intraflagellar transport 172; minus strand). Cytogenetic location: 2p23.3.
Variant type: single nucleotide variant.
Coding change: c.233C>T on transcript NM_015662.3 (MANE Select); coding-DNA position 233, C replaced by T.
Protein change: p.Ser78Phe; replaces serine 78 with phenylalanine.
Molecular consequence: missense variant.
Genome position (GRCh38, 1-based): chr2:27,485,081, G>A on the plus strand (C>T on the coding strand, the complement: IFT172 is on the minus strand). VCF-style: chr2-27485081-G-A. GRCh37 (hg19) VCF-style: chr2-27707948-G-A.
Other names: c.233C>T, p.Ser78Phe (NM_001410739.1); c.233C>T (NM_015662.2); short protein forms S78F.
Identifiers: ClinVar variation 2154845 (VCV002154845.4), dbSNP rs182323013, ClinGen allele CA1581073.